The following is an entry in ClinVar:

ClinVar aggregate classification (germline): Uncertain significance (1 of 4 stars; one submission).

Submission:

Labcorp Genetics (formerly Invitae), Labcorp
Classification: Uncertain significance. Last evaluated: 2024-08-24. Review status: criteria provided, single submitter. Criteria: Invitae Variant Classification Sherloc (09022015). Collection method: clinical testing. Allele origin: germline.
Comment: This sequence change creates a premature translational stop signal (p.Arg144Alafs*8) in the OPN1SW gene. It is expected to result in an absent or disrupted protein product. However, the current clinical and genetic evidence is not sufficient to establish whether loss-of-function variants in OPN1SW cause disease. This variant is not present in population databases (gnomAD no frequency). This variant has not been reported in the literature in individuals affected with OPN1SW-related conditions. In summary, the available evidence is currently insufficient to determine the role of this variant in disease. Therefore, it has been classified as a Variant of Uncertain Significance.

NM_001385125.1(OPN1SW):c.421del (p.Arg141fs)

Gene: OPN1SW (opsin 1, short wave sensitive; minus strand). Cytogenetic location: 7q32.1.
Variant type: Deletion.
Coding change: c.421del on transcript NM_001385125.1 (MANE Select); coding-DNA position 421, one base deleted (C; older notation c.421delC).
Protein change: p.Arg141fs; shifts the reading frame from arginine 141.
Molecular consequence: frameshift variant.
Genome position (GRCh38, 1-based): chr7:128,775,077, G deleted on the plus strand (C on the coding strand, the reverse complement: OPN1SW is on the minus strand); the first of 2 consecutive G bases (chr7:128,775,077-128,775,078); deleting either gives the same sequence. VCF-style (leftmost placement, unchanged base first): chr7-128775076-CG-C. GRCh37 (hg19) VCF-style: chr7-128415130-CG-C.
Other names: short protein forms R141fs.
Identifiers: ClinVar variation 3663389 (VCV003663389.2).